The following is an entry in ClinVar:

NM_017633.3(TENT5A):c.1147A>T (p.Met383Leu)

Gene: TENT5A (terminal nucleotidyltransferase 5A; minus strand). Cytogenetic location: 6q14.1.
Variant type: single nucleotide variant.
Coding change: c.1147A>T on transcript NM_017633.3 (MANE Select); coding-DNA position 1147, A replaced by T.
Protein change: p.Met383Leu; replaces methionine 383 with leucine.
Molecular consequence: missense variant.
Genome position (GRCh38, 1-based): chr6:81,749,877, T>A on the plus strand (A>T on the coding strand, the complement: TENT5A is on the minus strand). VCF-style: chr6-81749877-T-A. GRCh37 (hg19) VCF-style: chr6-82459594-T-A.
Other names: short protein forms M383L.
Identifiers: ClinVar variation 1968869 (VCV001968869.5), dbSNP rs767558102, ClinGen allele CA3902920.

ClinVar aggregate classification (germline): Uncertain significance (1 of 4 stars; one submission).

Allele frequency attached by ClinVar (database versions not stated): ExAC 0.00001.

Submission:

Labcorp Genetics (formerly Invitae), Labcorp
Classification: Uncertain significance. Last evaluated: 2022-09-12. Review status: criteria provided, single submitter. Criteria: Invitae Variant Classification Sherloc (09022015). Collection method: clinical testing. Allele origin: germline.
Comment: This variant is present in population databases (rs767558102, gnomAD 0.006%). In summary, the available evidence is currently insufficient to determine the role of this variant in disease. Therefore, it has been classified as a Variant of Uncertain Significance. Advanced modeling of protein sequence and biophysical properties (such as structural, functional, and spatial information, amino acid conservation, physicochemical variation, residue mobility, and thermodynamic stability) performed at Invitae indicates that this missense variant is not expected to disrupt FAM46A protein function. This variant has not been reported in the literature in individuals affected with FAM46A-related conditions. This sequence change replaces methionine, which is neutral and non-polar, with leucine, which is neutral and non-polar, at codon 383 of the FAM46A protein (p.Met383Leu).